The following is an entry in ClinVar:

ClinVar aggregate classification (germline): Likely benign (1 of 4 stars; one submission).

Allele frequency attached by ClinVar (database versions not stated): ExAC 0.00001; gnomAD exomes 0.00001.
gnomAD v4.1: 9 of 1,614,170 alleles (0.00056%); highest among the groups gnomAD compares: Middle Eastern, 0.066%; no homozygotes.

Submission:

CeGaT Center for Human Genetics Tuebingen
Classification: Likely benign. Last evaluated: 2023-01-01. Review status: criteria provided, single submitter. Criteria: CeGaT Center For Human Genetics Tuebingen Variant Classification Criteria Version 2. Collection method: clinical testing. Allele origin: germline. Affected: yes. Observed: 1 variant allele.
Comment: ZNF8: BP4, BP7

NM_021089.3(ZNF8):c.1059C>T (p.Asn353=)

Genes: ZNF8 (zinc finger protein 8; plus strand), ZNF8-ERVK3-1 (ZNF8-ERVK3-1 readthrough (NMD candidate); plus strand). Cytogenetic location: 19q13.43.
Variant type: single nucleotide variant.
Coding change: c.1059C>T on transcript NM_021089.3 (MANE Select); coding-DNA position 1059, C replaced by T.
Protein change: p.Asn353=; no amino-acid change (asparagine 353 retained).
Molecular consequence: synonymous variant. On other transcripts: non-coding transcript variant (1).
Genome position (GRCh38, 1-based): chr19:58,294,867, C>T. VCF-style: chr19-58294867-C-T. GRCh37 (hg19) VCF-style: chr19-58806233-C-T.
Identifiers: ClinVar variation 2650586 (VCV002650586.24), dbSNP rs756468235, ClinGen allele CA9713129.